The following is an entry in ClinVar:

ClinVar aggregate classification (germline): Pathogenic (1 of 4 stars; one submission).

Conditions:
Familial adenomatous polyposis 1 (FAP1). Also called: FAMILIAL ADENOMATOUS POLYPOSIS 1, ATTENUATED; POLYPOSIS, ADENOMATOUS INTESTINAL. Identifiers: MedGen C2713442, MONDO:0021056, OMIM 175100. Disease mechanism: loss of function.

Submission:

Labcorp Genetics (formerly Invitae), Labcorp
Classification: Pathogenic for Familial adenomatous polyposis 1. Last evaluated: 2025-10-11. Review status: criteria provided, single submitter. Criteria: Invitae Variant Classification Sherloc (09022015). Collection method: clinical testing. Allele origin: germline.
Comment: This sequence change creates a premature translational stop signal (p.Leu698Tyrfs*20) in the APC gene. While this is not anticipated to result in nonsense mediated decay, it is expected to disrupt the last 2146 amino acid(s) of the APC protein. This variant is not present in population databases (gnomAD no frequency). This variant has not been reported in the literature in individuals affected with APC-related conditions. This variant is expected to disrupt the EB1 and HDLG binding sites, which mediate interactions with the cytoskeleton (PMID: 15311282, 17293347). While functional studies have not been performed to directly test the effect on APC protein function, this suggests that disruption of the C-terminal portion of the protein is functionally important. A different truncation (p.Tyr2645Lysfs*14) that lies downstream of this variant has been determined to be pathogenic (PMID: 9824584, 1316610, 27081525, 8381579, 22135120, internal data). This suggests that deletion of this region of the APC protein is causative of disease. For these reasons, this variant has been classified as Pathogenic.

Literature cited by the submitters: PubMed 15311282; PubMed 17293347; PubMed 9824584; PubMed 1316610; PubMed 27081525; PubMed 8381579; PubMed 22135120.

NM_000038.6(APC):c.2093del (p.Leu698fs)

Gene: APC (APC regulator of Wnt signaling pathway; plus strand). Cytogenetic location: 5q22.2.
Variant type: Deletion.
Coding change: c.2093del on transcript NM_000038.6 (MANE Select); coding-DNA position 2093, one base deleted (T; older notation c.2093delT).
Protein change: p.Leu698fs; shifts the reading frame from leucine 698.
Molecular consequence: frameshift variant. On other transcripts: non-coding transcript variant (2).
Genome position (GRCh38, 1-based): chr5:112,837,687, T deleted; the last of 2 consecutive T bases (chr5:112,837,686-112,837,687); deleting either gives the same sequence. VCF-style (leftmost placement, unchanged base first): chr5-112837685-AT-A. GRCh37 (hg19) VCF-style: chr5-112173382-AT-A.
Other names: c.2018del, p.Leu673fs (NM_001354898.2); c.2009del, p.Leu670fs (NM_001354899.2); c.1970del, p.Leu657fs (NM_001354900.2); c.1916del, p.Leu639fs (NM_001354901.2, NM_001407453.1); c.1820del, p.Leu607fs (NM_001354902.2); c.1790del, p.Leu597fs (NM_001354903.2, NM_001407458.1, NM_001407459.1 and 1 more transcripts); c.1715del, p.Leu572fs (NM_001354904.2); c.1613del, p.Leu538fs (NM_001354905.2); and 11 more; short protein forms L415fs, L569fs, L615fs, L673fs, L698fs, L597fs, L607fs, L680fs.
Identifiers: ClinVar variation 4728934 (VCV004728934.1).